The following is an entry in ClinVar:

NM_001360.3(DHCR7):c.1018G>A (p.Val340Ile)

Gene: DHCR7 (7-dehydrocholesterol reductase; minus strand). Cytogenetic location: 11q13.4.
Variant type: single nucleotide variant.
Coding change: c.1018G>A on transcript NM_001360.3 (MANE Select); coding-DNA position 1018, G replaced by A.
Protein change: p.Val340Ile; replaces valine 340 with isoleucine.
Molecular consequence: missense variant.
Genome position (GRCh38, 1-based): chr11:71,435,785, C>T on the plus strand (G>A on the coding strand, the complement: DHCR7 is on the minus strand). VCF-style: chr11-71435785-C-T. GRCh37 (hg19) VCF-style: chr11-71146831-C-T.
Other names: c.1018G>A, p.Val340Ile (NM_001163817.2); short protein forms V340I.
Identifiers: ClinVar variation 458677 (VCV000458677.19), dbSNP rs148081697, ClinGen allele CA6162332.

ClinVar aggregate classification (germline): Conflicting classifications of pathogenicity. Review status: criteria provided, conflicting classifications (1 of 4 stars). 4 submissions from 4 submitters: Uncertain significance (2); Benign (1); Likely benign (1). Last evaluated 2026-01-25.

Conditions:
Inborn genetic diseases. Identifiers: MedGen C0950123, MeSH D030342.
Smith-Lemli-Opitz syndrome (SLOS). Also called: 7-Dehydrocholesterol reductase deficiency; LETHAL ACRODYSGENITAL SYNDROME; POLYDACTYLY, SEX REVERSAL, RENAL HYPOPLASIA, AND UNILOBAR LUNG; RSH SYNDROME; RUTLEDGE LETHAL MULTIPLE CONGENITAL ANOMALY SYNDROME. Identifiers: Orphanet 818, MedGen C0175694, MONDO:0010035, OMIM 270400.

Allele frequency attached by ClinVar (database versions not stated): ESP Exome Variant Server 0.00008; TOPMed 0.00012; ExAC 0.00065; gnomAD 0.00072 and 0.00075; gnomAD exomes 0.00096.
gnomAD v4.1: 640 of 1,608,398 alleles (0.04%); highest among the groups gnomAD compares: South Asian, 0.016%; 3 homozygotes.

Submissions (4):

Labcorp Genetics (formerly Invitae), Labcorp
Classification: Benign for Smith-Lemli-Opitz syndrome. Last evaluated: 2026-01-25. Review status: criteria provided, single submitter. Criteria: Invitae Variant Classification Sherloc (09022015). Collection method: clinical testing. Allele origin: germline.

Blueprint Genetics
Classification: Likely benign. Last evaluated: 2024-08-30. Review status: criteria provided, single submitter. Criteria: ACMG Guidelines, 2015. Collection method: clinical testing. Allele origin: germline.

Revvity Omics, Revvity
Classification: Uncertain significance for Smith-Lemli-Opitz syndrome. Last evaluated: 2021-02-08. Review status: criteria provided, single submitter. Criteria: ACMG Guidelines, 2015. Collection method: clinical testing. Allele origin: germline.

Ambry Genetics
Classification: Uncertain significance for Inborn genetic diseases. Last evaluated: 2016-08-03. Review status: criteria provided, single submitter. Criteria: Ambry Variant Classification Scheme 2023. Collection method: clinical testing. Allele origin: germline.
Comment: The p.V340I variant (also known as c.1018G>A), located in coding exon 7 of the DHCR7 gene, results from a G to A substitution at nucleotide position 1018. The valine at codon 340 is replaced by isoleucine, an amino acid with highly similar properties. This variant was previously reported in the SNPDatabase as rs148081697. Based on data from the NHLBI Exome Sequencing Project (ESP), the A allele has an overall frequency of approximately 0.01% (1/12982) total alleles studied, having been observed in 0.02% (1/4396) African American alleles. This amino acid position is not well conserved in available vertebrate species, and isoleucine is the reference amino acid in other vertebrate species. In addition, the in silico prediction for this alteration is inconclusive. Since supporting evidence is limited at this time, the clinical significance of this variant remains unclear.